The following is an entry in ClinVar:

ClinVar aggregate classification (germline): Conflicting classifications of pathogenicity. Review status: criteria provided, conflicting classifications (1 of 4 stars). 6 submissions from 6 submitters: Pathogenic (1); Likely pathogenic (1); Uncertain significance (2). 2 of the submissions do not count toward it. Last evaluated 2023-07-29.

Conditions:
Cystic fibrosis (CF). Also called: MUCOVISCIDOSIS. Identifiers: Orphanet 586, MedGen C0010674, MONDO:0009061, OMIM 219700. Disease mechanism: loss of function.

Submissions (6):

Labcorp Genetics (formerly Invitae), Labcorp
Classification: Pathogenic for Cystic fibrosis. Last evaluated: 2023-07-29. Review status: criteria provided, single submitter. Criteria: Invitae Variant Classification Sherloc (09022015). Collection method: clinical testing. Allele origin: germline.
Comment: For these reasons, this variant has been classified as Pathogenic. Algorithms developed to predict the effect of sequence changes on RNA splicing suggest that this variant may disrupt the consensus splice site. This sequence change replaces arginine, which is basic and polar, with glycine, which is neutral and non-polar, at codon 248 of the CFTR protein (p.Arg248Gly). This variant is not present in population databases (gnomAD no frequency). This missense change has been observed in individual(s) with CFTR-related conditions and/or clinical features of CFTR-related conditions (PMID: 28196530). In at least one individual the data is consistent with being in trans (on the opposite chromosome) from a pathogenic variant. It has also been observed to segregate with disease in related individuals. ClinVar contains an entry for this variant (Variation ID: 555450). An algorithm developed to predict the effect of missense changes on protein structure and function (PolyPhen-2) suggests that this variant is likely to be disruptive.

Genome-Nilou Lab
Classification: Uncertain significance for Cystic fibrosis. Last evaluated: 2021-07-22. Review status: criteria provided, single submitter. Criteria: ACMG Guidelines, 2015. Collection method: clinical testing. Allele origin: germline. Affected: no.

Mayo Clinic Laboratories, Mayo Clinic
Classification: Uncertain significance. Last evaluated: 2021-03-10. Review status: criteria provided, single submitter. Criteria: ACMG Guidelines, 2015. Collection method: clinical testing. Allele origin: germline. Observed: 1 variant allele.

ARUP Laboratories, Molecular Genetics and Genomics, ARUP Laboratories
Classification: Likely pathogenic. Last evaluated: 2019-02-19. Review status: criteria provided, single submitter. Criteria: ARUP Molecular Germline Variant Investigation Process. Collection method: clinical testing. Allele origin: germline.
Comment: The CFTR c.742A>G; p.Arg248Gly variant is reported in the literature in three siblings affected with pancreatitis or congenital absence of the vas deferens (Villalona 2017). In all three affected siblings, this variant was observed in trans to a second pathogenic variant (Villalona 2017). The p.Arg248Gly variant is absent from general population databases (Exome Variant Server, Genome Aggregation Database), indicating it is not a common polymorphism. The arginine at codon 248 is highly conserved, and computational analyses (SIFT, PolyPhen-2) predict that this variant is deleterious. Another variant at the same codon (p.Arg248Thr) has been reported in individuals with CFTR-related disorders in trans to a pathogenic variant (Polizzi 2011, SickKids CFTR Mutation Database). Additionally, the c.742A>G; p.Arg248Gly occurs in the penultimate nucleotide of an exon, and computational analyses (Alamut v.2.11) predict that this variant may impact splicing by weakening the nearby canonical donor splice site. Although this variant is unlikely to be causative for classic cystic fibrosis, based on available information, we consider this variant to be likely pathogenic for other CFTR-related disorders. References: SickKids CFTR Mutation Database: Polizzi A et al. Genotype-phenotype correlation in cystic fibrosis patients bearing [H939R;H949L] allele. Genet Mol Biol. 2011 Jul;34(3):416-20. Villalona S et al. R248G cystic fibrosis transmembrane conductance regulator mutation in three siblings presenting with recurrent acute pancreatitis and reproductive issues: a case series. J Med Case Rep. 2017 Feb 15;11(1):42.

Natera, Inc.
Classification: Likely pathogenic for Cystic Fibrosis. Last evaluated: 2020-09-16. Review status: no assertion criteria provided. Collection method: clinical testing. Allele origin: germline. Not counted in ClinVar's aggregate classification.

Counsyl
Classification: Uncertain significance for Cystic fibrosis. Last evaluated: 2017-12-07. Review status: no assertion criteria provided. Collection method: clinical testing. Allele origin: unknown. Not counted in ClinVar's aggregate classification.

Literature cited by the submitters: PubMed 28196530 (cited by Labcorp Genetics (formerly Invitae), Labcorp).

NM_000492.4(CFTR):c.742A>G (p.Arg248Gly)

Gene: CFTR (CF transmembrane conductance regulator; plus strand). Cytogenetic location: 7q31.2.
Variant type: single nucleotide variant.
Coding change: c.742A>G on transcript NM_000492.4 (MANE Select); coding-DNA position 742, A replaced by G.
Protein change: p.Arg248Gly; replaces arginine 248 with glycine.
Molecular consequence: missense variant.
Genome position (GRCh38, 1-based): chr7:117,535,410, A>G. VCF-style: chr7-117535410-A-G. GRCh37 (hg19) VCF-style: chr7-117175464-A-G.
Other names: short protein forms R248G.
Identifiers: ClinVar variation 555450 (VCV000555450.22), dbSNP rs1554380515, ClinGen allele CA368977225.